The following is an entry in ClinVar:

NM_000038.6(APC):c.5615_5617del (p.Val1872del)

Gene: APC (APC regulator of Wnt signaling pathway; plus strand). Cytogenetic location: 5q22.2.
Variant type: Deletion.
Coding change: c.5615_5617del on transcript NM_000038.6 (MANE Select); coding-DNA positions 5615 to 5617, 3 bases deleted (TTG; older notation c.5615_5617delTTG).
Protein change: p.Val1872del; deletes valine 1872.
Molecular consequence: inframe deletion.
Genome position (GRCh38, 1-based): chr5:112,841,209-112,841,211, TTG deleted; deleting any 3 consecutive bases within chr5:112,841,207-112,841,211 gives the same sequence; the c. name uses the placement nearest the transcript's 3' end. VCF-style (leftmost placement, unchanged base first): chr5-112841206-ATGT-A. GRCh37 (hg19) VCF-style: chr5-112176903-ATGT-A.
Other names: c.5615_5617del, p.Val1872del (NM_001127510.3, NM_001354895.2); c.5561_5563del, p.Val1854del (NM_001127511.3); c.5669_5671del, p.Val1890del (NM_001354896.2); c.5645_5647del, p.Val1882del (NM_001354897.2); c.5540_5542del, p.Val1847del (NM_001354898.2); c.5531_5533del, p.Val1844del (NM_001354899.2); c.5492_5494del, p.Val1831del (NM_001354900.2); c.5438_5440del, p.Val1813del (NM_001354901.2); and 5 more; short protein forms V1589del, V1712del, V1746del, V1844del, V1872del, V1771del, V1831del, V1847del.
Identifiers: ClinVar variation 655627 (VCV000655627.10), dbSNP rs1580661856, ClinGen allele CA915943501.
Genomic context (GRCh38, chr5:112,841,206, plus strand): 5'-GAACTCCTTACTGTTTTTCACGAAATGATTCTTTGAGTTCTCTAGATTTTGATGATGATG[ATGT>A]TGACCTTTCCAGGGAAAAGGCTGAATTAAGAAAGGCAAAAGAAAATAAGGAATCAGAGGC-3'

ClinVar aggregate classification (germline): Uncertain significance (1 of 4 stars; one submission).

Conditions:
Familial adenomatous polyposis 1 (FAP1). Also called: FAMILIAL ADENOMATOUS POLYPOSIS 1, ATTENUATED; POLYPOSIS, ADENOMATOUS INTESTINAL. Identifiers: MedGen C2713442, MONDO:0021056, OMIM 175100. Disease mechanism: loss of function.

Submission:

Labcorp Genetics (formerly Invitae), Labcorp
Classification: Uncertain significance for Familial adenomatous polyposis 1. Last evaluated: 2025-11-22. Review status: criteria provided, single submitter. Criteria: Invitae Variant Classification Sherloc (09022015). Collection method: clinical testing. Allele origin: germline.
Comment: This variant, c.5615_5617del, results in the deletion of 1 amino acid(s) of the APC protein (p.Val1872del), but otherwise preserves the integrity of the reading frame. This variant is not present in population databases (gnomAD no frequency). This variant has not been reported in the literature in individuals affected with APC-related conditions. ClinVar contains an entry for this variant (Variation ID: 655627). Experimental studies and prediction algorithms are not available or were not evaluated, and the functional significance of this variant is currently unknown. In summary, the available evidence is currently insufficient to determine the role of this variant in disease. Therefore, it has been classified as a Variant of Uncertain Significance.